The following is an entry in ClinVar:

ClinVar aggregate classification (germline): Uncertain significance (1 of 4 stars; one submission).

Conditions:
Cardiovascular phenotype. Identifiers: MedGen CN230736.

gnomAD v4.1: 9 of 1,612,588 alleles (0.00056%); highest among the groups gnomAD compares: South Asian, 0.0011%; no homozygotes.

Submission:

Ambry Genetics
Classification: Uncertain significance for Cardiovascular phenotype. Last evaluated: 2023-09-22. Review status: criteria provided, single submitter. Criteria: Ambry Variant Classification Scheme 2023. Collection method: clinical testing. Allele origin: germline.
Comment: The p.P2945L variant (also known as c.8834C>T), located in coding exon 25 of the TNXB gene, results from a C to T substitution at nucleotide position 8834. The proline at codon 2945 is replaced by leucine, an amino acid with similar properties. This amino acid position is conserved. In addition, this alteration is predicted to be tolerated by in silico analysis. Since supporting evidence is limited at this time, the clinical significance of this alteration remains unclear.

NM_001365276.2(TNXB):c.8840C>T (p.Pro2947Leu)

Gene: TNXB (tenascin XB; minus strand). Cytogenetic location: 6p21.33.
Variant type: single nucleotide variant.
Coding change: c.8840C>T on transcript NM_001365276.2 (MANE Select); coding-DNA position 8840, C replaced by T.
Protein change: p.Pro2947Leu; replaces proline 2947 with leucine.
Molecular consequence: missense variant.
Genome position (GRCh38, 1-based): chr6:32,052,945, G>A on the plus strand (C>T on the coding strand, the complement: TNXB is on the minus strand). VCF-style: chr6-32052945-G-A. GRCh37 (hg19) VCF-style: chr6-32020722-G-A.
Other names: c.9581C>T, p.Pro3194Leu (NM_001428335.1); c.8834C>T, p.Pro2945Leu (NM_019105.8); short protein forms P2945L, P2947L, P3194L.
Identifiers: ClinVar variation 3227345 (VCV003227345.1), dbSNP rs558453501, ClinGen allele CA363545698.